The following is an entry in ClinVar:

NM_000321.3(RB1):c.1657T>A (p.Cys553Ser)

Gene: RB1 (RB transcriptional corepressor 1; plus strand). Cytogenetic location: 13q14.2.
Variant type: single nucleotide variant.
Coding change: c.1657T>A on transcript NM_000321.3 (MANE Select); coding-DNA position 1657, T replaced by A.
Protein change: p.Cys553Ser; replaces cysteine 553 with serine.
Molecular consequence: missense variant.
Genome position (GRCh38, 1-based): chr13:48,381,405, T>A. VCF-style: chr13-48381405-T-A. GRCh37 (hg19) VCF-style: chr13-48955541-T-A.
Other names: short protein forms C553S.
Identifiers: ClinVar variation 939948 (VCV000939948.10), dbSNP rs1948534757, ClinGen allele CA388163945.

ClinVar aggregate classification (germline): Uncertain significance. Review status: criteria provided, multiple submitters, no conflicts (2 of 4 stars). 2 submissions from 2 submitters: Uncertain significance (2). Last evaluated 2026-04-19.

Conditions:
Hereditary cancer-predisposing syndrome. Also called: Hereditary Cancer Syndrome; Neoplastic Syndromes, Hereditary; Tumor predisposition; Hereditary neoplastic syndrome. Identifiers: Orphanet 140162, MedGen C0027672, MeSH D009386, MONDO:0015356.
Retinoblastoma (RB1). Also called: RETINOBLASTOMA, SOMATIC. Identifiers: Orphanet 790, MedGen C0035335, MeSH D012175, MONDO:0008380, OMIM 180200, HP:0009919. Disease mechanism: loss of function. Inheritance: Both sporadic and heritable forms are tested..

Allele frequency attached by ClinVar (database versions not stated): gnomAD exomes below 0.00001.
gnomAD v4.1: 2 of 1,613,752 alleles (0.00012%); highest among the groups gnomAD compares: Non-Finnish European, 0.00017%; no homozygotes.

Submissions (2):

Ambry Genetics
Classification: Uncertain significance for Hereditary cancer-predisposing syndrome. Last evaluated: 2026-04-19. Review status: criteria provided, single submitter. Criteria: Ambry Variant Classification Scheme 2023. Collection method: clinical testing. Allele origin: germline.
Comment: The p.C553S variant (also known as c.1657T>A), located in coding exon 17 of the RB1 gene, results from a T to A substitution at nucleotide position 1657. The cysteine at codon 553 is replaced by serine, an amino acid with dissimilar properties. This amino acid position is conserved. In addition, this alteration is predicted to be deleterious by in silico analysis. Based on the available evidence, the clinical significance of this variant remains unclear.

Labcorp Genetics (formerly Invitae), Labcorp
Classification: Uncertain significance for Retinoblastoma. Last evaluated: 2024-04-24. Review status: criteria provided, single submitter. Criteria: Invitae Variant Classification Sherloc (09022015). Collection method: clinical testing. Allele origin: germline.
Comment: This sequence change replaces cysteine, which is neutral and slightly polar, with serine, which is neutral and polar, at codon 553 of the RB1 protein (p.Cys553Ser). This variant is not present in population databases (gnomAD no frequency). This variant has not been reported in the literature in individuals affected with RB1-related conditions. ClinVar contains an entry for this variant (Variation ID: 939948). Advanced modeling of protein sequence and biophysical properties (such as structural, functional, and spatial information, amino acid conservation, physicochemical variation, residue mobility, and thermodynamic stability) performed at Invitae indicates that this missense variant is expected to disrupt RB1 protein function with a positive predictive value of 80%. In summary, the available evidence is currently insufficient to determine the role of this variant in disease. Therefore, it has been classified as a Variant of Uncertain Significance.